The following is an entry in ClinVar:

NM_001018115.3(FANCD2):c.1413+14T>C

Genes: FANCD2 (FA complementation group D2; plus strand), LOC107303338 (3p25 FANCD2 Alu-mediated recombination region; plus strand). Cytogenetic location: 3p25.3.
Variant type: single nucleotide variant.
Coding change: c.1413+14T>C on transcript NM_001018115.3 (MANE Select); 14 bases into the intron after coding-DNA position 1413, T replaced by C.
Molecular consequence: intron variant.
Genome position (GRCh38, 1-based): chr3:10,048,065, T>C. VCF-style: chr3-10048065-T-C. GRCh37 (hg19) VCF-style: chr3-10089749-T-C.
Other names: c.1413+14T>C (NM_001319984.2, NM_001374253.1, NM_033084.6 and 1 more transcripts).
Identifiers: ClinVar variation 342269 (VCV000342269.6), dbSNP rs12330599, ClinGen allele CA2249635.

ClinVar aggregate classification (germline): Benign/Likely benign. Review status: criteria provided, multiple submitters, no conflicts (2 of 4 stars). 2 submissions from 2 submitters: Benign (1); Likely benign (1). Last evaluated 2026-03-23.

Conditions:
Fanconi anemia complementation group D2. Also called: FANCD2-Related Fanconi Anemia; FANCONI PANCYTOPENIA, TYPE 4; FANCONI ANEMIA, COMPLEMENTATION GROUP D. Identifiers: Orphanet 84, MedGen C3160738, MONDO:0009214, OMIM 227646.

Allele frequency attached by ClinVar (database versions not stated): ExAC 0.43070; 1000 Genomes Project 30x 0.44457.

Submissions (2):

Women's Health and Genetics/Laboratory Corporation of America, LabCorp
Classification: Likely benign. Last evaluated: 2026-03-23. Review status: criteria provided, single submitter. Criteria: LabCorp Variant Classification Summary - May 2015. Collection method: clinical testing. Allele origin: germline.
Comment: Variant summary: FANCD2 c.1413+14T>C alters a nucleotide located at a position not widely known to affect splicing. Consensus agreement among computation tools predict no significant impact on normal splicing. However, these predictions have yet to be confirmed by functional studies. The frequency data for this variant in gnomAD is considered unreliable, as metrics indicate poor data quality at this position. To our knowledge, no occurrence of c.1413+14T>C in individuals affected with FANCD2-related conditions and no experimental evidence demonstrating its impact on protein function have been reported. ClinVar contains an entry for this variant (Variation ID: 342269). Based on the evidence outlined above, the variant was classified as likely benign.

Illumina Laboratory Services, Illumina
Classification: Benign for Fanconi anemia complementation group D2. Last evaluated: 2018-01-13. Review status: criteria provided, single submitter. Criteria: ICSL Variant Classification Criteria 13 December 2019. Collection method: clinical testing. Allele origin: germline.
Comment: This variant was observed in the ICSL laboratory as part of a predisposition screen in an ostensibly healthy population. It had not been previously curated by ICSL or reported in the Human Gene Mutation Database (HGMD: prior to June 1st, 2018), and was therefore a candidate for classification through an automated scoring system. Utilizing variant allele frequency, disease prevalence and penetrance estimates, and inheritance mode, an automated score was calculated to assess if this variant is too frequent to cause the disease. Based on the score and internal cut-off values, a variant classified as benign is not then subjected to further curation. The score for this variant resulted in a classification of benign for this disease.